The following is an entry in ClinVar:

NM_000503.6(EYA1):c.1472C>T (p.Ser491Phe)

Gene: EYA1 (EYA transcriptional coactivator and phosphatase 1; minus strand). Cytogenetic location: 8q13.3.
Variant type: single nucleotide variant.
Coding change: c.1472C>T on transcript NM_000503.6 (MANE Select); coding-DNA position 1472, C replaced by T.
Protein change: p.Ser491Phe; replaces serine 491 with phenylalanine.
Molecular consequence: missense variant.
Genome position (GRCh38, 1-based): chr8:71,215,617, G>A on the plus strand (C>T on the coding strand, the complement: EYA1 is on the minus strand). VCF-style: chr8-71215617-G-A. GRCh37 (hg19) VCF-style: chr8-72127852-G-A.
Other names: c.1559C>T, p.Ser520Phe (NM_001370333.1); c.1472C>T, p.Ser491Phe (NM_001370334.1, NM_001370335.1, NM_172058.4); c.1451C>T, p.Ser484Phe (NM_001370336.1); c.1373C>T, p.Ser458Phe (NM_001411797.1, NM_172060.4); c.1454C>T, p.Ser485Phe (NM_172059.5, NM_001288574.2); c.1106C>T, p.Ser369Phe (NM_001288575.2); short protein forms S485F, S520F, S484F, S369F, S458F, S491F.
Identifiers: ClinVar variation 3686191 (VCV003686191.2).

ClinVar aggregate classification (germline): Uncertain significance (1 of 4 stars; one submission).

Conditions:
Melnick-Fraser syndrome (BOR). Also called: Branchiootorenal Syndrome (BORS); Branchiootorenal syndrome; Branchio-oto-renal syndrome. Identifiers: Orphanet 107, MedGen C0265234, MONDO:0007029.

Submission:

Labcorp Genetics (formerly Invitae), Labcorp
Classification: Uncertain significance for Melnick-Fraser syndrome. Last evaluated: 2025-01-06. Review status: criteria provided, single submitter. Criteria: Invitae Variant Classification Sherloc (09022015). Collection method: clinical testing. Allele origin: germline.
Comment: This sequence change replaces serine, which is neutral and polar, with phenylalanine, which is neutral and non-polar, at codon 491 of the EYA1 protein (p.Ser491Phe). This variant is not present in population databases (gnomAD no frequency). This variant has not been reported in the literature in individuals affected with EYA1-related conditions. Invitae Evidence Modeling of protein sequence and biophysical properties (such as structural, functional, and spatial information, amino acid conservation, physicochemical variation, residue mobility, and thermodynamic stability) has been performed for this missense variant. However, the output from this modeling did not meet the statistical confidence thresholds required to predict the impact of this variant on EYA1 protein function. In summary, the available evidence is currently insufficient to determine the role of this variant in disease. Therefore, it has been classified as a Variant of Uncertain Significance.